The following is an entry in ClinVar:

ClinVar aggregate classification (germline): Uncertain significance (1 of 4 stars; one submission).

Conditions:
Inherited breast cancer and ovarian cancer.

Submission:

Genomics and Molecular Medicine Service, East Genomic Laboratory Hub, NHS Genomic Medicine Service
Classification: Uncertain significance for Inherited breast cancer and ovarian cancer. Last evaluated: 2026-08-24. Review status: criteria provided, single submitter. Criteria: ACGS Best Practice Guidelines for Variant Classification in Rare Disease 2020. Collection method: clinical testing. Allele origin: germline. Affected: yes.
Comment: BP1

NM_024675.4(PALB2):c.1484A>G (p.Glu495Gly)

Gene: PALB2 (partner and localizer of BRCA2; minus strand). Cytogenetic location: 16p12.2.
Variant type: single nucleotide variant.
Coding change: c.1484A>G on transcript NM_024675.4 (MANE Select); coding-DNA position 1484, A replaced by G.
Protein change: p.Glu495Gly; replaces glutamic acid 495 with glycine.
Molecular consequence: missense variant. On other transcripts: intron variant (3).
Genome position (GRCh38, 1-based): chr16:23,635,062, T>C on the plus strand (A>G on the coding strand, the complement: PALB2 is on the minus strand). VCF-style: chr16-23635062-T-C. GRCh37 (hg19) VCF-style: chr16-23646383-T-C.
Other names: c.1424A>G, p.Glu475Gly (NM_001407296.1); c.1484A>G, p.Glu495Gly (NM_001407297.1, NM_001407298.1, NM_001407299.1 and 3 more transcripts); c.49-5787A>G (NM_001407314.1); c.-104-4593A>G (NM_001407313.1, NM_001407312.1); c.599A>G, p.Glu200Gly (NM_001407304.1, NM_001407305.1, NM_001407306.1 and 5 more transcripts); short protein forms E200G, E475G, E495G.
Identifiers: ClinVar variation 4890870 (VCV004890870.1).